The following is an entry in ClinVar:

NM_014633.5(CTR9):c.56T>A (p.Leu19His)

Gene: CTR9 (CTR9 homolog, Paf1/RNA polymerase II complex component; plus strand). Cytogenetic location: 11p15.4.
Variant type: single nucleotide variant.
Coding change: c.56T>A on transcript NM_014633.5 (MANE Select); coding-DNA position 56, T replaced by A.
Protein change: p.Leu19His; replaces leucine 19 with histidine.
Molecular consequence: missense variant.
Genome position (GRCh38, 1-based): chr11:10,752,682, T>A. VCF-style: chr11-10752682-T-A. GRCh37 (hg19) VCF-style: chr11-10774229-T-A.
Other names: c.56T>A, p.Leu19His (NM_001346279.2); short protein forms L19H.
Identifiers: ClinVar variation 3078720 (VCV003078720.1), dbSNP rs2539366599, ClinGen allele CA379674949.

ClinVar aggregate classification (germline): Likely pathogenic (1 of 4 stars; one submission).

Conditions:
Inborn genetic diseases. Identifiers: MedGen C0950123, MeSH D030342.

Submission:

Ambry Genetics
Classification: Likely pathogenic for Inborn genetic diseases. Last evaluated: 2024-02-15. Review status: criteria provided, single submitter. Criteria: Ambry Variant Classification Scheme 2023. Collection method: clinical testing. Allele origin: germline.
Comment: The c.56T>A (p.L19H) alteration is located in exon 2 (coding exon 2) of the CTR9 gene. This alteration results from a T to A substitution at nucleotide position 56, causing the leucine (L) at amino acid position 19 to be replaced by a histidine (H). This variant was not reported in population-based cohorts in the Genome Aggregation Database (gnomAD). This amino acid position is highly conserved in available vertebrate species. This missense alteration is located in a region that has a low rate of benign missense variation (Lek, 2016; Firth, 2009). This alteration is predicted to be deleterious by in silico analysis. Based on the available evidence, this alteration is classified as likely pathogenic.